The following is an entry in ClinVar:

NM_002860.4(ALDH18A1):c.1655T>C (p.Ile552Thr)

Gene: ALDH18A1 (aldehyde dehydrogenase 18 family member A1; minus strand). Cytogenetic location: 10q24.1.
Variant type: single nucleotide variant.
Coding change: c.1655T>C on transcript NM_002860.4 (MANE Select); coding-DNA position 1655, T replaced by C.
Protein change: p.Ile552Thr; replaces isoleucine 552 with threonine.
Molecular consequence: missense variant.
Genome position (GRCh38, 1-based): chr10:95,614,112, A>G on the plus strand (T>C on the coding strand, the complement: ALDH18A1 is on the minus strand). VCF-style: chr10-95614112-A-G. GRCh37 (hg19) VCF-style: chr10-97373869-A-G.
Other names: c.1649T>C, p.Ile550Thr (NM_001017423.2, NM_001323415.2); c.1322T>C, p.Ile441Thr (NM_001323412.2, NM_001323416.2); c.1655T>C, p.Ile552Thr (NM_001323413.2, NM_001323414.2); c.1550T>C, p.Ile517Thr (NM_001323417.2); c.1316T>C, p.Ile439Thr (NM_001323418.2); c.1019T>C, p.Ile340Thr (NM_001323419.2); short protein forms I340T, I441T, I517T, I550T, I439T, I552T.
Identifiers: ClinVar variation 2150251 (VCV002150251.4), dbSNP rs761599531, ClinGen allele CA5620249.

ClinVar aggregate classification (germline): Uncertain significance (1 of 4 stars; one submission).

Conditions:
Autosomal dominant spastic paraplegia type 9. Identifiers: MedGen C1832669, MONDO:0015091.
de Barsy syndrome. Also called: Cutis laxa-corneal clouding-oligophrenia syndrome. Identifiers: Orphanet 2962, MedGen C0268354, MONDO:0017569.
Cutis laxa, autosomal dominant 3 (ADCL3). Identifiers: Orphanet 90348, MedGen C4225268, MONDO:0014706, OMIM 616603.

Allele frequency attached by ClinVar (database versions not stated): gnomAD 0.00001; ExAC 0.00001; TOPMed 0.00002; gnomAD exomes 0.00001.
gnomAD v4.1: 6 of 1,614,124 alleles (0.00037%); highest among the groups gnomAD compares: Admixed American, 0.0083%; no homozygotes.

Submission:

Labcorp Genetics (formerly Invitae), Labcorp
Classification: Uncertain significance for Autosomal dominant spastic paraplegia type 9; de Barsy syndrome; Cutis laxa, autosomal dominant 3. Last evaluated: 2026-01-19. Review status: criteria provided, single submitter. Criteria: Invitae Variant Classification Sherloc (09022015). Collection method: clinical testing. Allele origin: germline.
Comment: This sequence change replaces isoleucine, which is neutral and non-polar, with threonine, which is neutral and polar, at codon 552 of the ALDH18A1 protein (p.Ile552Thr). This variant is present in population databases (rs761599531, gnomAD 0.006%). This variant has not been reported in the literature in individuals affected with ALDH18A1-related conditions. ClinVar contains an entry for this variant (Variation ID: 2150251). Invitae Evidence Modeling of protein sequence and biophysical properties (such as structural, functional, and spatial information, amino acid conservation, physicochemical variation, residue mobility, and thermodynamic stability) indicates that this missense variant is expected to disrupt ALDH18A1 protein function with a positive predictive value of 80%. In summary, the available evidence is currently insufficient to determine the role of this variant in disease. Therefore, it has been classified as a Variant of Uncertain Significance.